The following is an entry in ClinVar:

NM_000152.5(GAA):c.1472_1474del (p.Thr491del)

Gene: GAA (alpha glucosidase; plus strand). Cytogenetic location: 17q25.3.
Variant type: Deletion.
Coding change: c.1472_1474del on transcript NM_000152.5 (MANE Select); coding-DNA positions 1472 to 1474, 3 bases deleted (CCA; older notation c.1472_1474delCCA).
Protein change: p.Thr491del; deletes threonine 491.
Molecular consequence: inframe deletion. On other transcripts: inframe indel (2).
Genome position (GRCh38, 1-based): chr17:80,110,761-80,110,763, CCA deleted; deleting any 3 consecutive bases within chr17:80,110,759-80,110,763 gives the same sequence; the c. name uses the placement nearest the transcript's 3' end. VCF-style (leftmost placement, unchanged base first): chr17-80110758-TCAC-T. GRCh37 (hg19) VCF-style: chr17-78084557-TCAC-T.
Other names: c.1472_1474del, p.Thr491del (NM_001079803.3, NM_001079804.3); c.1472_1474delCCA, p.Thr491del (NM_001406741.1, NM_001406742.1); short protein forms T491del.
Identifiers: ClinVar variation 2107193 (VCV002107193.2), dbSNP rs2510373815, ClinGen allele CA2580095748.
Genomic context (GRCh38, chr17:80,110,758, plus strand): 5'-TCTCCCCACTGCAGCCTCTCGTTGTCCAGGTATGGCCCGGGTCCACTGCCTTCCCCGACT[TCAC>T]CAACCCCACAGCCCTGGCCTGGTGGGAGGACATGGTGGCTGAGTTCCATGACCAGGTGCC-3'

ClinVar aggregate classification (germline): Uncertain significance (1 of 4 stars; one submission).

Conditions:
Glycogen storage disease, type II (IOPD). Also called: Pompe Disease; Glucosidase acid-1,4-alpha deficiency; CARDIOMEGALIA GLYCOGENICA DIFFUSA; POMPE DISEASE, INFANTILE-ONSET; GLYCOGEN STORAGE DISEASE II, INFANTILE-ONSET; ACID ALPHA-GLUCOSIDASE DEFICIENCY, INFANTILE-ONSET. Identifiers: Orphanet 365, MedGen C0017921, MONDO:0009290, OMIM 232300.

Submission:

Labcorp Genetics (formerly Invitae), Labcorp
Classification: Uncertain significance for Glycogen storage disease, type II. Last evaluated: 2022-03-05. Review status: criteria provided, single submitter. Criteria: Invitae Variant Classification Sherloc (09022015). Collection method: clinical testing. Allele origin: germline.
Comment: In summary, the available evidence is currently insufficient to determine the role of this variant in disease. Therefore, it has been classified as a Variant of Uncertain Significance. Algorithms developed to predict the effect of sequence changes on RNA splicing suggest that this variant may create or strengthen a splice site. Experimental studies and prediction algorithms are not available or were not evaluated, and the functional significance of this variant is currently unknown. This variant has not been reported in the literature in individuals affected with GAA-related conditions. This variant is not present in population databases (gnomAD no frequency). This variant, c.1472_1474del, results in the deletion of 1 amino acid(s) of the GAA protein (p.Thr491del), but otherwise preserves the integrity of the reading frame.